The following is an entry in ClinVar:

ClinVar aggregate classification (germline): Conflicting classifications of pathogenicity. Review status: criteria provided, conflicting classifications (1 of 4 stars). 4 submissions from 4 submitters: Uncertain significance (2); Likely benign (1). 1 of the submissions does not count toward it. Last evaluated 2026-10-21.

Conditions:
Autosomal recessive nonsyndromic hearing loss 3. Also called: NEUROSENSORY NONSYNDROMIC RECESSIVE DEAFNESS 3. Identifiers: Orphanet 90636, MedGen C1838263, MONDO:0010860, OMIM 600316.

Allele frequency attached by ClinVar (database versions not stated): TOPMed 0.00010; gnomAD 0.00013 and 0.00012; gnomAD exomes 0.00010 and 0.00023; ESP Exome Variant Server 0.00039; ExAC 0.00013.
gnomAD v4.1: 348 of 1,603,802 alleles (0.022%); highest among the groups gnomAD compares: Non-Finnish European, 0.027%; no homozygotes.

Submissions (4):

GeneDx
Classification: Uncertain significance. Last evaluated: 2026-10-21. Review status: criteria provided, single submitter. Criteria: GeneDx Variant Classification Process June 2021. Collection method: clinical testing. Allele origin: germline.
Comment: Has not been previously published as pathogenic or benign in association with a MYO15A-related disorder to our knowledge; In silico analysis supports that this missense variant has a deleterious effect on protein structure/function; This variant is associated with the following publications: (PMID: 40030011)

Labcorp Genetics (formerly Invitae), Labcorp
Classification: Likely benign. Last evaluated: 2025-09-13. Review status: criteria provided, single submitter. Criteria: Invitae Variant Classification Sherloc (09022015). Collection method: clinical testing. Allele origin: germline.

ARUP Laboratories, Molecular Genetics and Genomics, ARUP Laboratories
Classification: Uncertain significance. Last evaluated: 2016-12-29. Review status: criteria provided, single submitter. Criteria: ARUP Molecular Germline Variant Investigation Process. Collection method: clinical testing. Allele origin: germline.

Division of Human Genetics, Children's Hospital of Philadelphia
No classification provided. Condition: autosomal recessive deafness 3. Last evaluated: 2015-02-03. Review status: no classification provided. Collection method: research. Allele origin: germline. Affected: yes. Study: CSER-PediSeq. Not counted in ClinVar's aggregate classification.
Comment: This variant (NM_016239.3:c.10054G>A;p.A3352T) is considered a variant of uncertain significance as it has not been reported in literature and is present in 0.01% of alleles in ExAC 0.3 (15/119,824) with no homozygotes. This variant occurs in the FERM protein domain at a highly conserved amino acid and nucleotide position.

NM_016239.4(MYO15A):c.10054G>A (p.Ala3352Thr)

Gene: MYO15A (myosin XVA; plus strand). Cytogenetic location: 17p11.2.
Variant type: single nucleotide variant.
Coding change: c.10054G>A on transcript NM_016239.4 (MANE Select); coding-DNA position 10054, G replaced by A.
Protein change: p.Ala3352Thr; replaces alanine 3352 with threonine.
Molecular consequence: missense variant.
Genome position (GRCh38, 1-based): chr17:18,167,695, G>A. VCF-style: chr17-18167695-G-A. GRCh37 (hg19) VCF-style: chr17-18071009-G-A.
Other names: short protein forms A3352T.
Identifiers: ClinVar variation 203389 (VCV000203389.18), dbSNP rs367863299, ClinGen allele CA275520.